The following is an entry in ClinVar:

ClinVar aggregate classification (germline): Uncertain significance (1 of 4 stars; one submission).

Conditions:
Inborn genetic diseases. Identifiers: MedGen C0950123, MeSH D030342.

gnomAD v4.1: 2 of 1,613,956 alleles (0.00012%); highest among the groups gnomAD compares: African/African-American, 0.0027%; no homozygotes.

Submission:

Ambry Genetics
Classification: Uncertain significance for Inborn genetic diseases. Last evaluated: 2025-10-22. Review status: criteria provided, single submitter. Criteria: Ambry Variant Classification Scheme 2023. Collection method: clinical testing. Allele origin: germline.
Comment: The c.311A>T (p.N104I) alteration is located in exon 2 (coding exon 2) of the PODXL gene. This alteration results from a A to T substitution at nucleotide position 311, causing the asparagine (N) at amino acid position 104 to be replaced by an isoleucine (I). Based on data from gnomAD, the T allele has an overall frequency of 0.001% (2/282830) total alleles studied. The highest observed frequency was 0.008% (2/24954) of African alleles. Based on insufficient or conflicting evidence, the clinical significance of this alteration remains unclear.

NM_001018111.3(PODXL):c.311A>T (p.Asn104Ile)

Gene: PODXL (podocalyxin like; minus strand). Cytogenetic location: 7q32.3.
Variant type: single nucleotide variant.
Coding change: c.311A>T on transcript NM_001018111.3 (MANE Select); coding-DNA position 311, A replaced by T.
Protein change: p.Asn104Ile; replaces asparagine 104 with isoleucine.
Molecular consequence: missense variant.
Genome position (GRCh38, 1-based): chr7:131,511,223, T>A on the plus strand (A>T on the coding strand, the complement: PODXL is on the minus strand). VCF-style: chr7-131511223-T-A. GRCh37 (hg19) VCF-style: chr7-131195982-T-A.
Other names: c.311A>T, p.Asn104Ile (NM_005397.4); short protein forms N104I.
Identifiers: ClinVar variation 4628110 (VCV004628110.1).